The following is an entry in ClinVar:

NC_000019.10:g.39480682A>T

Gene: TIMM50 (translocase of inner mitochondrial membrane 50; plus strand). Cytogenetic location: 19q13.2.
Variant type: single nucleotide variant.
Genome position: GRCh38 VCF-style: chr19-39480682-A-T. GRCh37 (hg19) VCF-style: chr19-39971322-A-T.
Identifiers: ClinVar variation 4535379 (VCV004535379.6).

ClinVar aggregate classification (germline): Likely benign (1 of 4 stars; one submission).

Submission:

CeGaT Center for Human Genetics Tuebingen
Classification: Likely benign. Last evaluated: 2025-11-01. Review status: criteria provided, single submitter. Criteria: CeGaT Center For Human Genetics Tuebingen Variant Classification Criteria Version 2. Collection method: clinical testing. Allele origin: germline. Affected: yes. Observed: 1 variant allele.
Comment: TIMM50: PM2:Supporting, BP4, BP7